The following is an entry in ClinVar:

NM_001042424.3(NSD2):c.85G>A (p.Gly29Ser)

Gene: NSD2 (nuclear receptor binding SET domain protein 2; plus strand). Cytogenetic location: 4p16.3.
Variant type: single nucleotide variant.
Coding change: c.85G>A on transcript NM_001042424.3 (MANE Select); coding-DNA position 85, G replaced by A.
Protein change: p.Gly29Ser; replaces glycine 29 with serine.
Molecular consequence: missense variant.
Genome position (GRCh38, 1-based): chr4:1,900,739, G>A. VCF-style: chr4-1900739-G-A. GRCh37 (hg19) VCF-style: chr4-1902466-G-A.
Other names: c.85G>A, p.Gly29Ser (NM_007331.2, NM_133330.3, NM_133331.3 and 2 more transcripts); short protein forms G29S.
Identifiers: ClinVar variation 2157196 (VCV002157196.4), dbSNP rs754895784, ClinGen allele CA2811813.

ClinVar aggregate classification (germline): Uncertain significance (1 of 4 stars; one submission).

Allele frequency attached by ClinVar (database versions not stated): ExAC 0.00001; gnomAD 0.00001; TOPMed 0.00001.
gnomAD v4.1: 24 of 1,614,042 alleles (0.0015%); highest among the groups gnomAD compares: Middle Eastern, 0.016%; no homozygotes.

Submission:

Labcorp Genetics (formerly Invitae), Labcorp
Classification: Uncertain significance. Last evaluated: 2022-01-04. Review status: criteria provided, single submitter. Criteria: Invitae Variant Classification Sherloc (09022015). Collection method: clinical testing. Allele origin: germline.
Comment: In summary, the available evidence is currently insufficient to determine the role of this variant in disease. Therefore, it has been classified as a Variant of Uncertain Significance. Algorithms developed to predict the effect of missense changes on protein structure and function are either unavailable or do not agree on the potential impact of this missense change (SIFT: "Deleterious"; PolyPhen-2: "Benign"; Align-GVGD: "Class C55"). This variant has not been reported in the literature in individuals affected with WHSC1-related conditions. This variant is present in population databases (rs754895784, gnomAD 0.009%). This sequence change replaces glycine, which is neutral and non-polar, with serine, which is neutral and polar, at codon 29 of the WHSC1 protein (p.Gly29Ser).